The following is an entry in ClinVar:

NM_012179.4(FBXO7):c.1079G>A (p.Arg360His)

Gene: FBXO7 (F-box protein 7; plus strand). Cytogenetic location: 22q12.3.
Variant type: single nucleotide variant.
Coding change: c.1079G>A on transcript NM_012179.4 (MANE Select); coding-DNA position 1079, G replaced by A.
Protein change: p.Arg360His; replaces arginine 360 with histidine.
Molecular consequence: missense variant.
Genome position (GRCh38, 1-based): chr22:32,493,216, G>A. VCF-style: chr22-32493216-G-A. GRCh37 (hg19) VCF-style: chr22-32889203-G-A.
Other names: c.842G>A, p.Arg281His (NM_001033024.2); c.737G>A, p.Arg246His (NM_001257990.2); short protein forms R281H, R246H, R360H.
Identifiers: ClinVar variation 2383243 (VCV002383243.3), dbSNP rs111604607, ClinGen allele CA10201642.

ClinVar aggregate classification (germline): Conflicting classifications of pathogenicity. Review status: criteria provided, conflicting classifications (1 of 4 stars). 2 submissions from 2 submitters: Uncertain significance (1); Likely benign (1). Last evaluated 2025-12-02.

Conditions:
Inborn genetic diseases. Identifiers: MedGen C0950123, MeSH D030342.
Parkinsonian-pyramidal syndrome. Also called: PARKINSON DISEASE 15, AUTOSOMAL RECESSIVE; PALLIDOPYRAMIDAL SYNDROME; PARKINSON DISEASE 15, AUTOSOMAL RECESSIVE EARLY-ONSET. Identifiers: Orphanet 171695, MedGen C1850100, MONDO:0009830, OMIM 260300.

Allele frequency attached by ClinVar (database versions not stated): TOPMed 0.00002; ExAC 0.00003; gnomAD exomes 0.00005; gnomAD 0.00006; ESP Exome Variant Server 0.00008; 1000 Genomes Project 30x 0.00016; 1000 Genomes Project 0.00020.

Submissions (2):

Labcorp Genetics (formerly Invitae), Labcorp
Classification: Uncertain significance for Parkinsonian-pyramidal syndrome. Last evaluated: 2025-12-02. Review status: criteria provided, single submitter. Criteria: Invitae Variant Classification Sherloc (09022015). Collection method: clinical testing. Allele origin: germline.
Comment: This sequence change replaces arginine, which is basic and polar, with histidine, which is basic and polar, at codon 360 of the FBXO7 protein (p.Arg360His). This variant is present in population databases (rs111604607, gnomAD 0.02%). This variant has not been reported in the literature in individuals affected with FBXO7-related conditions. ClinVar contains an entry for this variant (Variation ID: 2383243). Invitae Evidence Modeling of protein sequence and biophysical properties (such as structural, functional, and spatial information, amino acid conservation, physicochemical variation, residue mobility, and thermodynamic stability) indicates that this missense variant is not expected to disrupt FBXO7 protein function with a negative predictive value of 80%. In summary, the available evidence is currently insufficient to determine the role of this variant in disease. Therefore, it has been classified as a Variant of Uncertain Significance.

Ambry Genetics
Classification: Likely benign for Inborn genetic diseases. Last evaluated: 2021-08-09. Review status: criteria provided, single submitter. Criteria: Ambry Variant Classification Scheme 2023. Collection method: clinical testing. Allele origin: germline.